The following is an entry in ClinVar:

ClinVar aggregate classification (germline): Pathogenic/Likely pathogenic. Review status: criteria provided, multiple submitters, no conflicts (2 of 4 stars). 4 submissions from 4 submitters: Pathogenic (1); Likely pathogenic (2). 1 of the submissions does not count toward it. Last evaluated 2024-05-31.

Conditions:
Polyglandular autoimmune syndrome, type 1 (APS1). Also called: Autoimmune polyendocrine syndrome type 1; Autoimmune polyendocrinopathy syndrome , type I, with or without reversible metaphyseal dysplasia; HYPOADRENOCORTICISM WITH HYPOPARATHYROIDISM AND SUPERFICIAL MONILIASIS; PGA I; AUTOIMMUNE POLYENDOCRINE SYNDROME, TYPE I, WITH OR WITHOUT REVERSIBLE METAPHYSEAL DYSPLASIA; APS I. Identifiers: Orphanet 3453, MedGen C0085859, MONDO:0009411, OMIM 240300.
AIRE-related disorder. Also called: AIRE-related condition.

Submissions (4):

Blueprint Genetics
Classification: Likely pathogenic for AIRE-related disorders. Last evaluated: 2024-05-31. Review status: criteria provided, single submitter. Criteria: ACMG Guidelines, 2015. Collection method: clinical testing. Allele origin: germline. Affected: yes. Observed: 4 variant alleles.

Labcorp Genetics (formerly Invitae), Labcorp
Classification: Pathogenic for Polyglandular autoimmune syndrome, type 1. Last evaluated: 2023-09-29. Review status: criteria provided, single submitter. Criteria: Invitae Variant Classification Sherloc (09022015). Collection method: clinical testing. Allele origin: germline.
Comment: For these reasons, this variant has been classified as Pathogenic. Advanced modeling of protein sequence and biophysical properties (such as structural, functional, and spatial information, amino acid conservation, physicochemical variation, residue mobility, and thermodynamic stability) performed at Invitae indicates that this missense variant is expected to disrupt AIRE protein function. ClinVar contains an entry for this variant (Variation ID: 68224). This variant is also known as c.398T>G. This missense change has been observed in individual(s) with autoimmune polyendocrinopathy syndrome (PMID: 10084559). In at least one individual the data is consistent with being in trans (on the opposite chromosome) from a pathogenic variant. It has also been observed to segregate with disease in related individuals. This variant is not present in population databases (gnomAD no frequency). This sequence change replaces leucine, which is neutral and non-polar, with arginine, which is basic and polar, at codon 93 of the AIRE protein (p.Leu93Arg).

National Institute of Allergy and Infectious Diseases - Centralized Sequencing Program, National Institutes of Health
Classification: Likely pathogenic for APECED. Last evaluated: 2023-09-14. Review status: criteria provided, single submitter. Criteria: ACMG Guidelines, 2015. Collection method: clinical testing. Allele origin: germline. Affected: yes.

UniProtKB/Swiss-Prot
No classification provided. Review status: no classification provided. Collection method: not provided. Allele origin: not provided. Not counted in ClinVar's aggregate classification.

Literature cited by the submitters: PubMed 10084559 (cited by Labcorp Genetics (formerly Invitae), Labcorp and National Institute of Allergy and Infectious Diseases - Centralized Sequencing Program, National Institutes of Health).

NM_000383.4(AIRE):c.278T>G (p.Leu93Arg)

Gene: AIRE (autoimmune regulator; plus strand). Cytogenetic location: 21q22.3.
Variant type: single nucleotide variant.
Coding change: c.278T>G on transcript NM_000383.4 (MANE Select); coding-DNA position 278, T replaced by G.
Protein change: p.Leu93Arg; replaces leucine 93 with arginine.
Molecular consequence: missense variant.
Genome position (GRCh38, 1-based): chr21:44,286,702, T>G. VCF-style: chr21-44286702-T-G. GRCh37 (hg19) VCF-style: chr21-45706585-T-G.
Other names: c.278T>G (LRG_18t1); short protein forms L93R.
Identifiers: ClinVar variation 68224 (VCV000068224.7), dbSNP rs179363884, ClinGen allele CA219203.